The following is an entry in ClinVar:

NM_002458.3(MUC5B):c.13203A>G (p.Thr4401=)

Gene: MUC5B (mucin 5B, oligomeric mucus/gel-forming; plus strand). Cytogenetic location: 11p15.5.
Variant type: single nucleotide variant.
Coding change: c.13203A>G on transcript NM_002458.3 (MANE Select); coding-DNA position 13203, A replaced by G.
Protein change: p.Thr4401=; no amino-acid change (threonine 4401 retained).
Molecular consequence: synonymous variant.
Genome position (GRCh38, 1-based): chr11:1,250,083, A>G. VCF-style: chr11-1250083-A-G. GRCh37 (hg19) VCF-style: chr11-1271313-A-G.
Identifiers: ClinVar variation 4872187 (VCV004872187.2).

ClinVar aggregate classification (germline): Likely benign (1 of 4 stars; one submission).

Submission:

CeGaT Center for Human Genetics Tuebingen
Classification: Likely benign. Last evaluated: 2026-06-01. Review status: criteria provided, single submitter. Criteria: CeGaT Center For Human Genetics Tuebingen Variant Classification Criteria Version 2. Collection method: clinical testing. Allele origin: germline. Affected: yes. Observed: 1 variant allele.
Comment: MUC5B: BP4, BP7